The following is an entry in ClinVar:

ClinVar aggregate classification (germline): Likely benign. Review status: criteria provided, multiple submitters, no conflicts (2 of 4 stars). 3 submissions from 3 submitters: Likely benign (2). 1 of the submissions does not count toward it. Last evaluated 2023-07-03.

Conditions:
Cardiovascular phenotype. Identifiers: MedGen CN230736.
Brugada syndrome. Also called: Sudden unexplained nocturnal death syndrome; Sudden Unexplained Death Syndrome; Sudden Unexplained Nocturnal Death Syndrome (SUNDS); Sudden unexpected nocturnal death syndrome. Identifiers: Orphanet 130, MedGen C1142166, MONDO:0015263.
SCN10A-related disorder. Also called: SCN10A-related condition.

Allele frequency attached by ClinVar (database versions not stated): ExAC 0.00001.
gnomAD v4.1: 2 of 1,614,108 alleles (0.00012%); highest among the groups gnomAD compares: Non-Finnish European, 0.000085%; no homozygotes.

Submissions (3):

Ambry Genetics
Classification: Likely benign for Cardiovascular phenotype. Last evaluated: 2023-07-03. Review status: criteria provided, single submitter. Criteria: Ambry Variant Classification Scheme 2023. Collection method: clinical testing. Allele origin: germline.

Labcorp Genetics (formerly Invitae), Labcorp
Classification: Likely benign for Brugada syndrome. Last evaluated: 2021-08-09. Review status: criteria provided, single submitter. Criteria: Invitae Variant Classification Sherloc (09022015). Collection method: clinical testing. Allele origin: germline.

PreventionGenetics, part of Exact Sciences
Classification: Likely benign for SCN10A-related condition. Last evaluated: 2019-10-14. Review status: no assertion criteria provided. Collection method: clinical testing. Allele origin: germline. Not counted in ClinVar's aggregate classification.
Comment: This variant is classified as likely benign based on ACMG/AMP sequence variant interpretation guidelines (Richards et al. 2015 PMID: 25741868, with internal and published modifications).

NM_006514.4(SCN10A):c.927G>A (p.Leu309=)

Gene: SCN10A (sodium voltage-gated channel alpha subunit 10; minus strand). Cytogenetic location: 3p22.2.
Variant type: single nucleotide variant.
Coding change: c.927G>A on transcript NM_006514.4 (MANE Select); coding-DNA position 927, G replaced by A.
Protein change: p.Leu309=; no amino-acid change (leucine 309 retained).
Molecular consequence: synonymous variant.
Genome position (GRCh38, 1-based): chr3:38,760,704, C>T on the plus strand (G>A on the coding strand, the complement: SCN10A is on the minus strand). VCF-style: chr3-38760704-C-T. GRCh37 (hg19) VCF-style: chr3-38802195-C-T.
Other names: c.927G>A (NM_006514.3, NM_006514.2); c.927G>A, p.Leu309= (NM_001293306.2, NM_001293307.2).
Identifiers: ClinVar variation 1567475 (VCV001567475.10), dbSNP rs771583859, ClinGen allele CA2321024.